The following is an entry in ClinVar:

NC_000005.9:g.(?_1293418)_(1295161_?)dup

Genes: TERT (telomerase reverse transcriptase; minus strand), LOC110806263 (TERT 5' regulatory region; plus strand). Cytogenetic location: 5p15.33.
Variant type: Duplication.
Identifiers: ClinVar variation 654090 (VCV000654090.1).

ClinVar aggregate classification (germline): Uncertain significance (1 of 4 stars; one submission).

Conditions:
Interstitial lung disease 2 (ILD2). Also called: FIBROCYSTIC PULMONARY DYSPLASIA; FIBROSING ALVEOLITIS, CRYPTOGENIC; Familial idiopathic pulmonary fibrosis. Identifiers: Orphanet 2032, Orphanet 79126, MedGen C5561926, MONDO:0800497, OMIM 178500, MONDO:0800029.
Dyskeratosis congenita, autosomal dominant 2. Identifiers: MedGen C3151443, MONDO:0013521, OMIM 613989.

Submission:

Labcorp Genetics (formerly Invitae), Labcorp
Classification: Uncertain significance for Dyskeratosis congenita, autosomal dominant, 2; Idiopathic fibrosing alveolitis, chronic form. Last evaluated: 2018-09-20. Review status: criteria provided, single submitter. Criteria: Invitae Variant Classification Sherloc (09022015). Collection method: clinical testing. Allele origin: germline.
Comment: This variant results in a copy number gain of the genomic region encompassing exons 1-2 of the TERT gene. The 5' end of this event is unknown as it extends beyond the assayed region for this gene and therefore may encompass additional genes. The 3' boundary is likely confined to intron 2 of the TERT gene. As the precise location of this event is unknown, it may be in tandem or it may be located elsewhere in the genome. This variant has not been reported in the literature in individuals with TERT-related disease. In summary, the available evidence is currently insufficient to determine the role of this variant in disease. Therefore, it has been classified as a Variant of Uncertain Significance.